The following is an entry in ClinVar:

ClinVar aggregate classification (germline): Pathogenic. Review status: criteria provided, single submitter (1 of 4 stars). 2 submissions from 2 submitters: Pathogenic (1). 1 of the submissions does not count toward it. Last evaluated 2024-05-25.

Conditions:
Leber congenital amaurosis 7 (LCA7). Identifiers: Orphanet 65, MedGen C3151192, MONDO:0013449, OMIM 613829.
Cone-rod dystrophy 2 (CORD2). Also called: CONE-ROD RETINAL DYSTROPHY; Cone-rod retinal dystrophy 2. Identifiers: Orphanet 1872, MedGen C3489532, MONDO:0007362, OMIM 120970.

Submissions (2):

Labcorp Genetics (formerly Invitae), Labcorp
Classification: Pathogenic for Cone-rod dystrophy 2; Leber congenital amaurosis 7. Last evaluated: 2024-05-25. Review status: criteria provided, single submitter. Criteria: Invitae Variant Classification Sherloc (09022015). Collection method: clinical testing. Allele origin: germline.
Comment: This sequence change creates a premature translational stop signal (p.Tyr191Metfs*3) in the CRX gene. While this is not anticipated to result in nonsense mediated decay, it is expected to disrupt the last 109 amino acid(s) of the CRX protein. This variant is not present in population databases (gnomAD no frequency). This premature translational stop signal has been observed in individual(s) with autosomal dominant Leber congenital amaurosis (PMID: 11748859, 25270190). In at least one individual the variant was observed to be de novo. ClinVar contains an entry for this variant (Variation ID: 99614). For these reasons, this variant has been classified as Pathogenic.

Retina International
No classification provided. Review status: no classification provided. Collection method: not provided. Allele origin: not provided. Not counted in ClinVar's aggregate classification.

Literature cited by the submitters: PubMed 11748859 (cited by Labcorp Genetics (formerly Invitae), Labcorp); PubMed 25270190 (cited by Labcorp Genetics (formerly Invitae), Labcorp).

NM_000554.6(CRX):c.571del (p.Tyr191fs)

Gene: CRX (cone-rod homeobox; plus strand). Cytogenetic location: 19q13.33.
Variant type: Deletion.
Coding change: c.571del on transcript NM_000554.6 (MANE Select); coding-DNA position 571, one base deleted (T; older notation c.571delT).
Protein change: p.Tyr191fs; shifts the reading frame from tyrosine 191.
Molecular consequence: frameshift variant.
Genome position (GRCh38, 1-based): chr19:47,839,638, T deleted. VCF-style (leftmost placement, unchanged base first): chr19-47839637-CT-C. GRCh37 (hg19) VCF-style: chr19-48342894-CT-C.
Other names: short protein forms Y191fs.
Identifiers: ClinVar variation 99614 (VCV000099614.8), dbSNP rs61748452, ClinGen allele CA227636.